The following is an entry in ClinVar:

ClinVar aggregate classification (germline): Benign (1 of 4 stars; one submission).

Conditions:
Pseudohypoaldosteronism type 2C (PHA2C). Also called: Pseudohypoaldosteronism Type IIC. Identifiers: Orphanet 757, Orphanet 88940, MedGen C1840391, MONDO:0013778, OMIM 614492.

Allele frequency attached by ClinVar (database versions not stated): gnomAD 0.00004 and 0.00007; gnomAD exomes 0.00007 and 0.00013; TOPMed 0.00008; ExAC 0.00014; 1000 Genomes Project 30x 0.00016; 1000 Genomes Project 0.00020.
gnomAD v4.1: 110 of 1,611,458 alleles (0.0068%); highest among the groups gnomAD compares: East Asian, 0.24%; no homozygotes.

Submission:

Illumina Laboratory Services, Illumina
Classification: Benign for Pseudohypoaldosteronism type 2C. Last evaluated: 2018-01-13. Review status: criteria provided, single submitter. Criteria: ICSL Variant Classification Criteria 13 December 2019. Collection method: clinical testing. Allele origin: germline.
Comment: This variant was observed in the ICSL laboratory as part of a predisposition screen in an ostensibly healthy population. It had not been previously curated by ICSL or reported in the Human Gene Mutation Database (HGMD: prior to June 1st, 2018), and was therefore a candidate for classification through an automated scoring system. Utilizing variant allele frequency, disease prevalence and penetrance estimates, and inheritance mode, an automated score was calculated to assess if this variant is too frequent to cause the disease. Based on the score and internal cut-off values, a variant classified as benign is not then subjected to further curation. The score for this variant resulted in a classification of benign for this disease.

NM_018979.4(WNK1):c.-23C>T

Gene: WNK1 (WNK lysine deficient protein kinase 1; plus strand). Cytogenetic location: 12p13.33.
Variant type: single nucleotide variant.
Coding change: c.-23C>T on transcript NM_018979.4 (MANE Select); 23 bases upstream of the start codon, C replaced by T.
Molecular consequence: 5 prime UTR variant.
Genome position (GRCh38, 1-based): chr12:753,543, C>T. VCF-style: chr12-753543-C-T. GRCh37 (hg19) VCF-style: chr12-862709-C-T.
Other names: c.-23C>T (NM_001184985.2, NM_014823.3, NM_213655.5).
Identifiers: ClinVar variation 310536 (VCV000310536.5), dbSNP rs556319875, ClinGen allele CA6381688.